The following is an entry in ClinVar:

ClinVar aggregate classification (germline): Uncertain significance (1 of 4 stars; one submission).

Conditions:
Lethal multiple pterygium syndrome (LMPS). Identifiers: Orphanet 33108, MedGen C1854678, MONDO:0009668, OMIM 253290.

Allele frequency attached by ClinVar (database versions not stated): gnomAD exomes below 0.00001; ExAC 0.00001.
gnomAD v4.1: 7 of 1,613,854 alleles (0.00043%); highest among the groups gnomAD compares: African/African-American, 0.0013%; no homozygotes.

Submission:

Labcorp Genetics (formerly Invitae), Labcorp
Classification: Uncertain significance for Lethal multiple pterygium syndrome. Last evaluated: 2023-07-28. Review status: criteria provided, single submitter. Criteria: Invitae Variant Classification Sherloc (09022015). Collection method: clinical testing. Allele origin: germline.
Comment: This sequence change replaces aspartic acid, which is acidic and polar, with asparagine, which is neutral and polar, at codon 161 of the CHRND protein (p.Asp161Asn). This variant is present in population databases (rs755085400, gnomAD 0.006%). This missense change has been observed in individual(s) with congenital myasthenic syndrome (PMID: 32070632). This variant is also known as p.(δD140N). Advanced modeling of protein sequence and biophysical properties (such as structural, functional, and spatial information, amino acid conservation, physicochemical variation, residue mobility, and thermodynamic stability) performed at Invitae indicates that this missense variant is expected to disrupt CHRND protein function. In summary, the available evidence is currently insufficient to determine the role of this variant in disease. Therefore, it has been classified as a Variant of Uncertain Significance.

Literature cited by the submitters: PubMed 32070632.

NM_000751.3(CHRND):c.481G>A (p.Asp161Asn)

Gene: CHRND (cholinergic receptor nicotinic delta subunit; plus strand). Cytogenetic location: 2q37.1.
Variant type: single nucleotide variant.
Coding change: c.481G>A on transcript NM_000751.3 (MANE Select); coding-DNA position 481, G replaced by A.
Protein change: p.Asp161Asn; replaces aspartic acid 161 with asparagine.
Molecular consequence: missense variant. On other transcripts: synonymous variant (1).
Genome position (GRCh38, 1-based): chr2:232,528,628, G>A. VCF-style: chr2-232528628-G-A. GRCh37 (hg19) VCF-style: chr2-233393338-G-A.
Other names: c.436G>A, p.Asp146Asn (NM_001256657.2); c.210G>A, p.Ser70= (NM_001311195.2); c.178G>A, p.Asp60Asn (NM_001311196.2); short protein forms D146N, D60N, D161N.
Identifiers: ClinVar variation 2971437 (VCV002971437.3), dbSNP rs755085400, ClinGen allele CA2168036.
Genomic context (GRCh38, chr2:232,528,628, plus strand): 5'-TGGCTGCCACCTGCCATCTTCCGCTCCTCCTGCCCCATCTCTGTCACCTATTTCCCCTTC[G>A]ACTGGCAGAACTGCTCCCTCAAGTTCAGGTGTGCCCTTTTCTCCAGCCACCCCTCACCCC-3'
Protein context (NP_000742.1, residues 151-171): CPISVTYFPF[Asp161Asn]WQNCSLKFSS